The following is an entry in ClinVar:

ClinVar aggregate classification (germline): Uncertain significance (1 of 4 stars; one submission).

Allele frequency attached by ClinVar (database versions not stated): gnomAD 0.00001; TOPMed 0.00001; gnomAD exomes 0.00003; ExAC 0.00005.

Submission:

Labcorp Genetics (formerly Invitae), Labcorp
Classification: Uncertain significance. Last evaluated: 2025-12-13. Review status: criteria provided, single submitter. Criteria: Invitae Variant Classification Sherloc (09022015). Collection method: clinical testing. Allele origin: germline.
Comment: This sequence change replaces alanine, which is neutral and non-polar, with valine, which is neutral and non-polar, at codon 330 of the GPR88 protein (p.Ala330Val). This variant is present in population databases (rs776054029, gnomAD 0.01%). This variant has not been reported in the literature in individuals affected with GPR88-related conditions. ClinVar contains an entry for this variant (Variation ID: 1910126). An algorithm developed to predict the effect of missense changes on protein structure and function (PolyPhen-2) suggests that this variant is likely to be disruptive. In summary, the available evidence is currently insufficient to determine the role of this variant in disease. Therefore, it has been classified as a Variant of Uncertain Significance.

NM_022049.3(GPR88):c.989C>T (p.Ala330Val)

Gene: GPR88 (G protein-coupled receptor 88; plus strand). Cytogenetic location: 1p21.2.
Variant type: single nucleotide variant.
Coding change: c.989C>T on transcript NM_022049.3 (MANE Select); coding-DNA position 989, C replaced by T.
Protein change: p.Ala330Val; replaces alanine 330 with valine.
Molecular consequence: missense variant.
Genome position (GRCh38, 1-based): chr1:100,539,955, C>T. VCF-style: chr1-100539955-C-T. GRCh37 (hg19) VCF-style: chr1-101005511-C-T.
Other names: short protein forms A330V.
Identifiers: ClinVar variation 1910126 (VCV001910126.5), dbSNP rs776054029, ClinGen allele CA971143.